The following is an entry in ClinVar:

ClinVar aggregate classification (germline): Likely benign (1 of 4 stars; one submission).

Conditions:
PRPF31-related disorder. Also called: PRPF31-related condition.

gnomAD v4.1: 5 of 670,596 alleles (0.00075%); highest among the groups gnomAD compares: Admixed American, 0.014%; no homozygotes.

Submission:

PreventionGenetics, part of Exact Sciences
Classification: Likely benign for PRPF31-related condition. Last evaluated: 2025-05-17. Review status: criteria provided, single submitter. Criteria: ACMG Guidelines, 2015. Collection method: clinical testing. Allele origin: germline.
Comment: This variant is classified as likely benign based on ACMG/AMP sequence variant interpretation guidelines (Richards et al. 2015 PMID: 25741868, with internal and published modifications).

NM_015629.3(PRPF31):c.-342C>T

Genes: PRPF31 (pre-mRNA processing factor 31; plus strand), TFPT (TCF3 fusion partner; minus strand). Cytogenetic location: 19q13.42.
Variant type: single nucleotide variant.
Coding change: c.-342C>T on transcript NM_015629.3; 342 bases upstream of the start codon, C replaced by T.
Molecular consequence: 5 prime UTR variant (on NM_013342.4).
Genome position (GRCh38, 1-based): chr19:54,115,464, C>T. VCF-style: chr19-54115464-C-T. GRCh37 (hg19) VCF-style: chr19-54618844-C-T.
Other names: c.-195G>A (NM_013342.4).
Identifiers: ClinVar variation 4977267 (VCV004977267.1).